The following is an entry in ClinVar:

NM_001042492.3(NF1):c.6131A>G (p.Lys2044Arg)

Gene: NF1 (neurofibromin 1; plus strand). Cytogenetic location: 17q11.2.
Variant type: single nucleotide variant.
Coding change: c.6131A>G on transcript NM_001042492.3 (MANE Select); coding-DNA position 6131, A replaced by G.
Protein change: p.Lys2044Arg; replaces lysine 2044 with arginine.
Molecular consequence: missense variant.
Genome position (GRCh38, 1-based): chr17:31,336,457, A>G. VCF-style: chr17-31336457-A-G. GRCh37 (hg19) VCF-style: chr17-29663475-A-G.
Other names: c.6068A>G, p.Lys2023Arg (NM_000267.4); short protein forms K2023R, K2044R.
Identifiers: ClinVar variation 3237857 (VCV003237857.1), dbSNP rs2151553569.
Genomic context (GRCh38, chr17:31,336,457, plus strand): 5'-GATCAATAAAAGCTGAGGTGATGGCAGATACTGCTGTAGCTTTGGCTTCTGGAAATGTGA[A>G]ATTGGTTTCAAGCAAGGTAATCACTTTTCTTTTGCCTTCTGTACTATAGCATATCTGTTT-3'
Protein context (NP_001035957.1, residues 2034-2054): TAVALASGNV[Lys2044Arg]LVSSKVIGRM

ClinVar aggregate classification (germline): Uncertain significance (1 of 4 stars; one submission).

Conditions:
Hereditary cancer-predisposing syndrome. Also called: Neoplastic Syndromes, Hereditary; Tumor predisposition; Hereditary neoplastic syndrome; Hereditary Cancer Syndrome. Identifiers: Orphanet 140162, MedGen C0027672, MeSH D009386, MONDO:0015356.
Cardiovascular phenotype. Identifiers: MedGen CN230736.

Submission:

Ambry Genetics
Classification: Uncertain significance for Cardiovascular phenotype; Hereditary cancer-predisposing syndrome. Last evaluated: 2023-08-07. Review status: criteria provided, single submitter. Criteria: Ambry Variant Classification Scheme 2023. Collection method: clinical testing. Allele origin: germline.
Comment: The p.K2023R variant (also known as c.6068A>G), located in coding exon 40 of the NF1 gene, results from an A to G substitution at nucleotide position 6068. The lysine at codon 2023 is replaced by arginine, an amino acid with highly similar properties. This amino acid position is conserved. In addition, the in silico prediction for this alteration is inconclusive. Since supporting evidence is limited at this time, the clinical significance of this alteration remains unclear.